The following is an entry in ClinVar:

ClinVar aggregate classification (germline): Uncertain significance. Review status: criteria provided, multiple submitters, no conflicts (2 of 4 stars). 2 submissions from 2 submitters: Uncertain significance (2). Last evaluated 2026-02-06.

Conditions:
PKD1-related disorder. Also called: PKD1-related condition.
Inborn genetic diseases. Identifiers: MedGen C0950123, MeSH D030342.

Allele frequency attached by ClinVar (database versions not stated): ExAC 0.00003.
gnomAD v4.1: 66 of 1,581,006 alleles (0.0042%); highest among the groups gnomAD compares: East Asian, 0.0045%; no homozygotes.

Submissions (2):

PreventionGenetics, part of Exact Sciences
Classification: Uncertain significance for PKD1-related condition. Last evaluated: 2026-02-06. Review status: criteria provided, single submitter. Criteria: ACMG Guidelines, 2015. Collection method: clinical testing. Allele origin: germline.
Comment: The PKD1 c.7084C>T variant is predicted to result in the amino acid substitution p.Arg2362Trp. To our knowledge, this variant has not been reported in the literature. This variant is reported in 0.0053% of alleles in individuals of East Asian descent in gnomAD. At this time, the clinical significance of this variant is uncertain due to the absence of conclusive functional and genetic evidence.

Ambry Genetics
Classification: Uncertain significance for Inborn genetic diseases. Last evaluated: 2023-01-26. Review status: criteria provided, single submitter. Criteria: Ambry Variant Classification Scheme 2023. Collection method: clinical testing. Allele origin: germline.

NM_001009944.3(PKD1):c.7084C>T (p.Arg2362Trp)

Gene: PKD1 (polycystin 1, transient receptor potential channel interacting; minus strand). Cytogenetic location: 16p13.3.
Variant type: single nucleotide variant.
Coding change: c.7084C>T on transcript NM_001009944.3 (MANE Select); coding-DNA position 7084, C replaced by T.
Protein change: p.Arg2362Trp; replaces arginine 2362 with tryptophan.
Molecular consequence: missense variant.
Genome position (GRCh38, 1-based): chr16:2,106,930, G>A on the plus strand (C>T on the coding strand, the complement: PKD1 is on the minus strand). VCF-style: chr16-2106930-G-A. GRCh37 (hg19) VCF-style: chr16-2156931-G-A.
Other names: c.7084C>T, p.Arg2362Trp (NM_000296.4); short protein forms R2362W.
Identifiers: ClinVar variation 2479362 (VCV002479362.3), dbSNP rs759171590, ClinGen allele CA7831289.
Genomic context (GRCh38, chr16:2,106,930, plus strand): 5'-TCACTTCGTACACGGCCTGTGCCTTGCAGGACACACACTCCAAGGACACAATGGGCACCC[G>A]GCCACTCCGGATCAGCACCTGGCGTGGGAGTGGGGTTACCTCCAACACAGGTCTATTTGG-3'
Protein context (NP_001009944.3, residues 2352-2372): TNQTVLIRSG[Arg2362Trp]VPIVSLECVS